The following is an entry in ClinVar:

NM_014319.5(LEMD3):c.544G>T (p.Val182Leu)

Gene: LEMD3 (LEM domain containing 3; plus strand). Cytogenetic location: 12q14.3.
Variant type: single nucleotide variant.
Coding change: c.544G>T on transcript NM_014319.5 (MANE Select); coding-DNA position 544, G replaced by T.
Protein change: p.Val182Leu; replaces valine 182 with leucine.
Molecular consequence: missense variant.
Genome position (GRCh38, 1-based): chr12:65,170,140, G>T. VCF-style: chr12-65170140-G-T. GRCh37 (hg19) VCF-style: chr12-65563920-G-T.
Other names: c.544G>T (NM_014319.4); c.544G>T, p.Val182Leu (NM_001167614.2); short protein forms V182L.
Identifiers: ClinVar variation 2893023 (VCV002893023.4), dbSNP rs757121957, ClinGen allele CA6670722.

ClinVar aggregate classification (germline): Uncertain significance. Review status: criteria provided, multiple submitters, no conflicts (2 of 4 stars). 2 submissions from 2 submitters: Uncertain significance (2). Last evaluated 2025-10-02.

Conditions:
Inborn genetic diseases. Identifiers: MedGen C0950123, MeSH D030342.

Allele frequency attached by ClinVar (database versions not stated): gnomAD 0.00001; TOPMed 0.00001.
gnomAD v4.1: 21 of 1,471,018 alleles (0.0014%); highest among the groups gnomAD compares: Admixed American, 0.0028%; no homozygotes.

Submissions (2):

Labcorp Genetics (formerly Invitae), Labcorp
Classification: Uncertain significance. Last evaluated: 2025-10-02. Review status: criteria provided, single submitter. Criteria: Invitae Variant Classification Sherloc (09022015). Collection method: clinical testing. Allele origin: germline.
Comment: This sequence change replaces valine, which is neutral and non-polar, with leucine, which is neutral and non-polar, at codon 182 of the LEMD3 protein (p.Val182Leu). This variant is present in population databases (rs757121957, gnomAD 0.003%). This variant has not been reported in the literature in individuals affected with LEMD3-related conditions. ClinVar contains an entry for this variant (Variation ID: 2893023). Invitae Evidence Modeling of protein sequence and biophysical properties (such as structural, functional, and spatial information, amino acid conservation, physicochemical variation, residue mobility, and thermodynamic stability) indicates that this missense variant is not expected to disrupt LEMD3 protein function with a negative predictive value of 80%. In summary, the available evidence is currently insufficient to determine the role of this variant in disease. Therefore, it has been classified as a Variant of Uncertain Significance.

Ambry Genetics
Classification: Uncertain significance for Inborn genetic diseases. Last evaluated: 2024-07-07. Review status: criteria provided, single submitter. Criteria: Ambry Variant Classification Scheme 2023. Collection method: clinical testing. Allele origin: germline.